The following is an entry in ClinVar:

ClinVar aggregate classification (germline): Uncertain significance. Review status: criteria provided, multiple submitters, no conflicts (2 of 4 stars). 3 submissions from 3 submitters: Uncertain significance (3). Last evaluated 2025-09-16.

Conditions:
Hereditary cancer-predisposing syndrome. Also called: Hereditary neoplastic syndrome; Neoplastic Syndromes, Hereditary; Hereditary Cancer Syndrome; Tumor predisposition. Identifiers: Orphanet 140162, MedGen C0027672, MeSH D009386, MONDO:0015356.
Gorlin syndrome. Also called: Nevoid Basal Cell Carcinoma Syndrome; Basal cell nevus syndrome. Identifiers: Orphanet 377, MedGen C0004779, MONDO:0007187.

gnomAD v4.1: 2 of 1,614,068 alleles (0.00012%); highest among the groups gnomAD compares: Non-Finnish European, 0.00017%; no homozygotes.

Submissions (3):

GeneDx
Classification: Uncertain significance. Last evaluated: 2025-09-16. Review status: criteria provided, single submitter. Criteria: GeneDx Variant Classification Process June 2021. Collection method: clinical testing. Allele origin: germline.
Comment: Not observed at significant frequency in large population cohorts (gnomAD); In silico analysis supports that this missense variant has a deleterious effect on protein structure/function; Has not been previously published as pathogenic or benign to our knowledge; This variant is associated with the following publications: (PMID: 8906794)

Labcorp Genetics (formerly Invitae), Labcorp
Classification: Uncertain significance for Gorlin syndrome. Last evaluated: 2025-09-13. Review status: criteria provided, single submitter. Criteria: Invitae Variant Classification Sherloc (09022015). Collection method: clinical testing. Allele origin: germline.
Comment: This sequence change replaces histidine, which is basic and polar, with glutamine, which is neutral and polar, at codon 336 of the PTCH1 protein (p.His336Gln). This variant is not present in population databases (gnomAD no frequency). This variant has not been reported in the literature in individuals affected with PTCH1-related conditions. ClinVar contains an entry for this variant (Variation ID: 954099). Invitae Evidence Modeling of protein sequence and biophysical properties (such as structural, functional, and spatial information, amino acid conservation, physicochemical variation, residue mobility, and thermodynamic stability) has been performed for this missense variant. However, the output from this modeling did not meet the statistical confidence thresholds required to predict the impact of this variant on PTCH1 protein function. In summary, the available evidence is currently insufficient to determine the role of this variant in disease. Therefore, it has been classified as a Variant of Uncertain Significance.

Ambry Genetics
Classification: Uncertain significance for Hereditary cancer-predisposing syndrome. Last evaluated: 2025-04-29. Review status: criteria provided, single submitter. Criteria: Ambry Variant Classification Scheme 2023. Collection method: clinical testing. Allele origin: germline.
Comment: The p.H336Q variant (also known as c.1008C>G), located in coding exon 7 of the PTCH1 gene, results from a C to G substitution at nucleotide position 1008. The histidine at codon 336 is replaced by glutamine, an amino acid with highly similar properties. This amino acid position is highly conserved in available vertebrate species. In addition, the in silico prediction for this alteration is inconclusive. Since supporting evidence is limited at this time, the clinical significance of this alteration remains unclear.

NM_000264.5(PTCH1):c.1008C>G (p.His336Gln)

Gene: PTCH1 (patched 1; minus strand). Cytogenetic location: 9q22.32.
Variant type: single nucleotide variant.
Coding change: c.1008C>G on transcript NM_000264.5 (MANE Select); coding-DNA position 1008, C replaced by G.
Protein change: p.His336Gln; replaces histidine 336 with glutamine.
Molecular consequence: missense variant. On other transcripts: non-coding transcript variant (1).
Genome position (GRCh38, 1-based): chr9:95,480,028, G>C on the plus strand (C>G on the coding strand, the complement: PTCH1 is on the minus strand). VCF-style: chr9-95480028-G-C. GRCh37 (hg19) VCF-style: chr9-98242310-G-C.
Other names: c.810C>G, p.His270Gln (NM_001083602.3); c.1005C>G, p.His335Gln (NM_001083603.3); c.555C>G, p.His185Gln (NM_001083604.3, NM_001083605.3, NM_001083606.3 and 1 more transcripts); c.1008C>G, p.His336Gln (NM_001354918.2); short protein forms H185Q, H335Q, H270Q, H336Q.
Identifiers: ClinVar variation 954099 (VCV000954099.15), dbSNP rs1841405475, ClinGen allele CA374119684.
Genomic context (GRCh38, chr9:95,480,028, plus strand): 5'-CCTGACGAGTTTTCCAGTGCTGTTCTTGACTGTGCCACCCACAATCAACTCCTCCTGCCA[G>C]TGCATATACTTTCTGGATAAGCCATGACATCCACCATTCAAAACAAGGGCCATATCAAGA-3'
Protein context (NP_000255.2, residues 326-346): GCHGLSRKYM[His336Gln]WQEELIVGGT